The following is an entry in ClinVar:

NC_000007.13:g.(?_153749482)_(153750149_154143298)dup

Gene: DPP6 (dipeptidyl peptidase like 6; plus strand). Cytogenetic location: 7q36.2.
Variant type: Duplication.
Identifiers: ClinVar variation 3251623 (VCV003251623.2).

ClinVar aggregate classification (germline): Uncertain significance (1 of 4 stars; one submission).

Submission:

Women's Health and Genetics/Laboratory Corporation of America, LabCorp
Classification: Uncertain significance. Last evaluated: 2026-03-03. Review status: criteria provided, single submitter. Criteria: LabCorp Variant Classification Summary - May 2015. Collection method: clinical testing. Allele origin: germline.
Comment: Variant summary: The variant involves the duplication of exon one in the DPP6 gene. A presumed nomenclature of c.(?_-424)_(243+1_244-1)dup has been designated for the purposes of this classification. The exact breakpoint at the 5' end of this variant is unknown, therefore this duplication may extend upstream of the annotated region of this gene. It is predicted to duplicate a segment including the initiation codon, therefore its impact on the encoded protein is unknown. The variant was absent in 21694 control chromosomes. The available data on variant occurrences in the general population are insufficient to allow any conclusion about variant significance. To our knowledge, no occurrence of c.(?_-424)_(243+1_244-1)dup in individuals affected with DPP6-related conditions and no experimental evidence demonstrating its impact on protein function have been reported. ClinVar contains entries for similar variants involving duplication of exon one (Variation ID: 563351, 815054). Based on the evidence outlined above, the variant was classified as uncertain significance.